The following is an entry in ClinVar:

NM_000085.5(CLCNKB):c.134G>A (p.Arg45His)

Genes: CLCNKB (chloride voltage-gated channel Kb; plus strand), LOC106501713 (CLCNKB recombination region; plus strand). Cytogenetic location: 1p36.13.
Variant type: single nucleotide variant.
Coding change: c.134G>A on transcript NM_000085.5 (MANE Select); coding-DNA position 134, G replaced by A.
Protein change: p.Arg45His; replaces arginine 45 with histidine.
Molecular consequence: missense variant.
Genome position (GRCh38, 1-based): chr1:16,045,591, G>A. VCF-style: chr1-16045591-G-A. GRCh37 (hg19) VCF-style: chr1-16372086-G-A.
Other names: short protein forms R45H.
Identifiers: ClinVar variation 2181278 (VCV002181278.1), dbSNP rs551946850, ClinGen allele CA623192.

ClinVar aggregate classification (germline): Uncertain significance (1 of 4 stars; one submission).

Allele frequency attached by ClinVar (database versions not stated): TOPMed 0.00002; gnomAD 0.00004; ExAC 0.00005; 1000 Genomes Project 30x 0.00016; 1000 Genomes Project 0.00020.
gnomAD v4.1: 34 of 1,613,866 alleles (0.0021%); highest among the groups gnomAD compares: East Asian, 0.022%; no homozygotes.

Submission:

Labcorp Genetics (formerly Invitae), Labcorp
Classification: Uncertain significance. Last evaluated: 2021-12-21. Review status: criteria provided, single submitter. Criteria: Invitae Variant Classification Sherloc (09022015). Collection method: clinical testing. Allele origin: germline.
Comment: This sequence change replaces arginine, which is basic and polar, with histidine, which is basic and polar, at codon 45 of the CLCNKB protein (p.Arg45His). This variant is present in population databases (rs551946850, gnomAD 0.02%). This variant has not been reported in the literature in individuals affected with CLCNKB-related conditions. Advanced modeling of protein sequence and biophysical properties (such as structural, functional, and spatial information, amino acid conservation, physicochemical variation, residue mobility, and thermodynamic stability) performed at Invitae indicates that this missense variant is not expected to disrupt CLCNKB protein function. In summary, the available evidence is currently insufficient to determine the role of this variant in disease. Therefore, it has been classified as a Variant of Uncertain Significance.